The following is an entry in ClinVar:

NM_003322.6(TULP1):c.722C>G (p.Thr241Ser)

Gene: TULP1 (TUB like protein 1; minus strand). Cytogenetic location: 6p21.31.
Variant type: single nucleotide variant.
Coding change: c.722C>G on transcript NM_003322.6 (MANE Select); coding-DNA position 722, C replaced by G.
Protein change: p.Thr241Ser; replaces threonine 241 with serine.
Molecular consequence: missense variant.
Genome position (GRCh38, 1-based): chr6:35,509,309, G>C on the plus strand (C>G on the coding strand, the complement: TULP1 is on the minus strand). VCF-style: chr6-35509309-G-C. GRCh37 (hg19) VCF-style: chr6-35477086-G-C.
Other names: c.563C>G, p.Thr188Ser (NM_001289395.2); short protein forms T188S, T241S.
Identifiers: ClinVar variation 1437590 (VCV001437590.6), dbSNP rs2150927069, ClinGen allele CA363781511.

ClinVar aggregate classification (germline): Uncertain significance (1 of 4 stars; one submission).

gnomAD v4.1: 1 of 1,613,990 alleles (0.000062%); no homozygotes.

Submission:

Labcorp Genetics (formerly Invitae), Labcorp
Classification: Uncertain significance. Last evaluated: 2022-09-13. Review status: criteria provided, single submitter. Criteria: Invitae Variant Classification Sherloc (09022015). Collection method: clinical testing. Allele origin: germline.
Comment: This sequence change replaces threonine with serine at codon 241 of the TULP1 protein (p.Thr241Ser). The threonine residue is weakly conserved and there is a small physicochemical difference between threonine and serine. This variant is not present in population databases (gnomAD no frequency). This variant has not been reported in the literature in individuals affected with TULP1-related conditions. ClinVar contains an entry for this variant (Variation ID: 1437590). Advanced modeling of protein sequence and biophysical properties (such as structural, functional, and spatial information, amino acid conservation, physicochemical variation, residue mobility, and thermodynamic stability) performed at Invitae indicates that this missense variant is not expected to disrupt TULP1 protein function. Algorithms developed to predict the effect of sequence changes on RNA splicing suggest that this variant may create or strengthen a splice site. In summary, the available evidence is currently insufficient to determine the role of this variant in disease. Therefore, it has been classified as a Variant of Uncertain Significance.